The following is an entry in ClinVar:

NM_032634.4(PIGO):c.3141-15C>T

Gene: PIGO (phosphatidylinositol glycan anchor biosynthesis class O; minus strand). Cytogenetic location: 9p13.3.
Variant type: single nucleotide variant.
Coding change: c.3141-15C>T on transcript NM_032634.4 (MANE Select); 15 bases into the intron before coding-DNA position 3141, C replaced by T.
Molecular consequence: intron variant.
Genome position (GRCh38, 1-based): chr9:35,089,236, G>A on the plus strand (C>T on the coding strand, the complement: PIGO is on the minus strand). VCF-style: chr9-35089236-G-A. GRCh37 (hg19) VCF-style: chr9-35089233-G-A.
Other names: c.1890-15C>T (NM_152850.4, NM_001201484.2).
Identifiers: ClinVar variation 385727 (VCV000385727.8), dbSNP rs368599591, ClinGen allele CA5040226.

ClinVar aggregate classification (germline): Likely benign. Review status: criteria provided, multiple submitters, no conflicts (2 of 4 stars). 2 submissions from 2 submitters: Likely benign (2). Last evaluated 2026-01-26.

Conditions:
Hyperphosphatasia with impaired intellectual development syndrome 2. Also called: GLYCOSYLPHOSPHATIDYLINOSITOL BIOSYNTHESIS DEFECT 6; Hyperphosphatasia with intellectual disability syndrome 2. Identifiers: Orphanet 247262, MedGen C3553637, MONDO:0013882, OMIM 614749.

Allele frequency attached by ClinVar (database versions not stated): gnomAD exomes 0.00004 and 0.00002; gnomAD 0.00006 and 0.00005; ExAC 0.00003; TOPMed 0.00005; ESP Exome Variant Server 0.00008.

Submissions (2):

Labcorp Genetics (formerly Invitae), Labcorp
Classification: Likely benign for Hyperphosphatasia with impaired intellectual development syndrome 2. Last evaluated: 2026-01-26. Review status: criteria provided, single submitter. Criteria: Invitae Variant Classification Sherloc (09022015). Collection method: clinical testing. Allele origin: germline.

GeneDx
Classification: Likely benign. Last evaluated: 2017-11-22. Review status: criteria provided, single submitter. Criteria: GeneDx Variant Classification (06012015). Collection method: clinical testing. Allele origin: germline. Affected: yes.
Comment: This variant is considered likely benign or benign based on one or more of the following criteria: it is a conservative change, it occurs at a poorly conserved position in the protein, it is predicted to be benign by multiple in silico algorithms, and/or has population frequency not consistent with disease.